The following is an entry in ClinVar:

ClinVar aggregate classification (germline): Likely pathogenic (1 of 4 stars; one submission).

Conditions:
Weaver syndrome (WVS). Also called: Weaver Smith syndrome; Overgrowth syndrome with accelerated skeletal maturation, unusual facies, and camptodactyly. Identifiers: Orphanet 3447, MedGen C0265210, MONDO:0010193, OMIM 277590.

Allele frequency attached by ClinVar (database versions not stated): gnomAD exomes below 0.00001.
gnomAD v4.1: 1 of 1,599,350 alleles (0.000063%); highest among the groups gnomAD compares: Non-Finnish European, 0.000086%; no homozygotes.

Submission:

Labcorp Genetics (formerly Invitae), Labcorp
Classification: Likely pathogenic for Weaver syndrome. Last evaluated: 2019-08-06. Review status: criteria provided, single submitter. Criteria: Invitae Variant Classification Sherloc (09022015). Collection method: clinical testing. Allele origin: germline.
Comment: This sequence change replaces threonine with asparagine at codon 683 of the EZH2 protein (p.Thr683Asn). The threonine residue is highly conserved and there is a small physicochemical difference between threonine and asparagine. This variant is not present in population databases (ExAC no frequency). Algorithms developed to predict the effect of missense changes on protein structure and function are either unavailable or do not agree on the potential impact of this missense change (SIFT: "Tolerated"; PolyPhen-2: "Probably Damaging"; Align-GVGD: "Class C0"). In summary, the currently available evidence indicates that the variant is pathogenic, but additional data are needed to prove that conclusively. Therefore, this variant has been classified as Likely Pathogenic.

NM_004456.5(EZH2):c.2048C>A (p.Thr683Asn)

Gene: EZH2 (enhancer of zeste 2 polycomb repressive complex 2 subunit; minus strand). Cytogenetic location: 7q36.1.
Variant type: single nucleotide variant.
Coding change: c.2048C>A on transcript NM_004456.5 (MANE Select); coding-DNA position 2048, C replaced by A.
Protein change: p.Thr683Asn; replaces threonine 683 with asparagine.
Molecular consequence: missense variant.
Genome position (GRCh38, 1-based): chr7:148,809,372, G>T on the plus strand (C>A on the coding strand, the complement: EZH2 is on the minus strand). VCF-style: chr7-148809372-G-T. GRCh37 (hg19) VCF-style: chr7-148506464-G-T.
Other names: c.2033C>A, p.Thr678Asn (NM_001203247.2); c.2006C>A, p.Thr669Asn (NM_001203248.2); c.1880C>A, p.Thr627Asn (NM_001203249.2); c.1916C>A, p.Thr639Asn (NM_152998.3); short protein forms T669N, T683N, T627N, T639N, T678N.
Identifiers: ClinVar variation 950845 (VCV000950845.10), dbSNP rs1802412684, ClinGen allele CA369712343.